The following is an entry in ClinVar:

ClinVar aggregate classification (germline): Benign. Review status: criteria provided, single submitter (1 of 4 stars). 2 submissions from 2 submitters: Benign (1). 1 of the submissions does not count toward it. Last evaluated 2023-09-11.

Conditions:
CKAP2L-related disorder. Also called: CKAP2L-related condition.

Allele frequency attached by ClinVar (database versions not stated): TOPMed 0.00003; gnomAD 0.00009; gnomAD exomes 0.00028 and 0.00056; ExAC 0.00058; 1000 Genomes Project 30x 0.00078; 1000 Genomes Project 0.00100.
gnomAD v4.1: 424 of 1,601,266 alleles (0.026%); highest among the groups gnomAD compares: South Asian, 0.45%; 6 homozygotes.

Submissions (2):

Labcorp Genetics (formerly Invitae), Labcorp
Classification: Benign. Last evaluated: 2023-09-11. Review status: criteria provided, single submitter. Criteria: Invitae Variant Classification Sherloc (09022015). Collection method: clinical testing. Allele origin: germline.

PreventionGenetics, part of Exact Sciences
Classification: Likely benign for CKAP2L-related condition. Last evaluated: 2019-04-05. Review status: no assertion criteria provided. Collection method: clinical testing. Allele origin: germline. Not counted in ClinVar's aggregate classification.
Comment: This variant is classified as likely benign based on ACMG/AMP sequence variant interpretation guidelines (Richards et al. 2015 PMID: 25741868, with internal and published modifications).

NM_152515.5(CKAP2L):c.537T>C (p.Phe179=)

Gene: CKAP2L (cytoskeleton associated protein 2 like; minus strand). Cytogenetic location: 2q14.1.
Variant type: single nucleotide variant.
Coding change: c.537T>C on transcript NM_152515.5 (MANE Select); coding-DNA position 537, T replaced by C.
Protein change: p.Phe179=; no amino-acid change (phenylalanine 179 retained).
Molecular consequence: synonymous variant.
Genome position (GRCh38, 1-based): chr2:112,756,834, A>G on the plus strand (T>C on the coding strand, the complement: CKAP2L is on the minus strand). VCF-style: chr2-112756834-A-G. GRCh37 (hg19) VCF-style: chr2-113514411-A-G.
Other names: c.42T>C, p.Phe14= (NM_001304361.2); c.537T>C (NM_152515.4).
Identifiers: ClinVar variation 1617789 (VCV001617789.10), dbSNP rs566644127, ClinGen allele CA1836832.
Genomic context (GRCh38, chr2:112,756,834, plus strand): 5'-TGGCTTCCTCTCAGGTTCTGTTAAGATATCGAGCAAGTTCTCTTTGTTTGTTTCTTTTAG[A>G]AAGTTATCCAAAGATTCGTTTTCAACATGGATATTATTCATAAAGTCTATACATTTACCA-3'
Protein context (NP_689728.3, residues 169-189): IHVENESLDN[Phe179=]LKETNKENLL